The following is an entry in ClinVar:

ClinVar aggregate classification (germline): Conflicting classifications of pathogenicity. Review status: criteria provided, conflicting classifications (1 of 4 stars). 2 submissions from 2 submitters: Likely pathogenic (1); Uncertain significance (1). Last evaluated 2024-05-10.

Conditions:
Glycogen storage disease, type V (GSD5). Also called: MUSCLE GLYCOGEN PHOSPHORYLASE DEFICIENCY; MYOPHOSPHORYLASE DEFICIENCY; PYGM DEFICIENCY; MCARDLE DISEASE; McArdle type glycogen storage disease. Identifiers: Orphanet 368, MedGen C0017924, MONDO:0009293, OMIM 232600.

gnomAD v4.1: 6 of 1,614,162 alleles (0.00037%); highest among the groups gnomAD compares: Non-Finnish European, 0.00051%; no homozygotes.

Submissions (2):

Women's Health and Genetics/Laboratory Corporation of America, LabCorp
Classification: Uncertain significance. Last evaluated: 2024-05-10. Review status: criteria provided, single submitter. Criteria: LabCorp Variant Classification Summary - May 2015. Collection method: clinical testing. Allele origin: germline.
Comment: Variant summary: PYGM c.2430C>T alters a non-conserved nucleotide resulting in a synonymous change. Several computational tools predict a significant impact on normal splicing: Three predict the variant strengthens a cryptic 5' donor site. At least one publication reports that this variant leads to abnormal mRNA processing. However, experimental evidence does not support convincing conclusions about the variant effect (Duno _2009). The variant was absent in 251490 control chromosomes (gnomAD). The available data on variant occurrences in the general population are insufficient to allow any conclusion about variant significance. c.2430C>T has been reported in the literature in at-least one individual affected with Glycogen Storage Disease (McArdle disease) (example: Duno_2009). These data do not allow any conclusion about variant significance. The following publication has been ascertained in the context of this evaluation (PMID: 19472443). No submitters have cited clinical-significance assessments for this variant to ClinVar. Based on the evidence outlined above, the variant was classified as uncertain significance.

Fulgent Genetics
Classification: Likely pathogenic for Glycogen storage disease, type V. Last evaluated: 2024-05-09. Review status: criteria provided, single submitter. Criteria: ACMG Guidelines, 2015. Collection method: clinical testing. Allele origin: germline.

Literature cited by the submitters: PubMed 19472443 (cited by Women's Health and Genetics/Laboratory Corporation of America, LabCorp).

NM_005609.4(PYGM):c.2430C>T (p.Gly810=)

Gene: PYGM (glycogen phosphorylase, muscle associated; minus strand). Cytogenetic location: 11q13.1.
Variant type: single nucleotide variant.
Coding change: c.2430C>T on transcript NM_005609.4 (MANE Select); coding-DNA position 2430, C replaced by T.
Protein change: p.Gly810=; no amino-acid change (glycine 810 retained).
Molecular consequence: synonymous variant.
Genome position (GRCh38, 1-based): chr11:64,746,758, G>A on the plus strand (C>T on the coding strand, the complement: PYGM is on the minus strand). VCF-style: chr11-64746758-G-A. GRCh37 (hg19) VCF-style: chr11-64514230-G-A.
Other names: c.2166C>T, p.Gly722= (NM_001164716.1).
Identifiers: ClinVar variation 3336042 (VCV003336042.2).
Genomic context (GRCh38, chr11:64,746,758, plus strand): 5'-AGGCTCCACACCCCAGATCTCCCGGGCATACTGGGCAATGGTGCGGTCACTGGAGAACTT[G>A]CCAGAGGTGGCTATGTTCCGGATCACCATCCGCGTCCACTCTCTTGGGTTCTGCAGGTCA-3'
Protein context (NP_005600.1, residues 800-820): RMVIRNIATS[Gly810=]KFSSDRTIAQ